The following is an entry in ClinVar:

ClinVar aggregate classification (germline): Uncertain significance (1 of 4 stars; one submission).

Allele frequency attached by ClinVar (database versions not stated): gnomAD exomes below 0.00001 and 0.00001; gnomAD 0.00001; ExAC 0.00002.
gnomAD v4.1: 8 of 1,613,528 alleles (0.0005%); highest among the groups gnomAD compares: Non-Finnish European, 0.00051%; no homozygotes.

Submission:

GeneDx
Classification: Uncertain significance. Last evaluated: 2024-05-07. Review status: criteria provided, single submitter. Criteria: GeneDx Variant Classification Process June 2021. Collection method: clinical testing. Allele origin: germline. Affected: yes.
Comment: Not observed at significant frequency in large population cohorts (gnomAD); Missense variant in a gene in which most reported pathogenic variants are truncating/loss of function; Has not been previously published as pathogenic or benign to our knowledge

NM_001267550.2(TTN):c.26120C>T (p.Ala8707Val)

Gene: TTN (titin; minus strand). Cytogenetic location: 2q31.2.
Variant type: single nucleotide variant.
Coding change: c.26120C>T on transcript NM_001267550.2 (MANE Select); coding-DNA position 26120, C replaced by T.
Protein change: p.Ala8707Val; replaces alanine 8707 with valine.
Molecular consequence: missense variant. On other transcripts: intron variant (3).
Genome position (GRCh38, 1-based): chr2:178,715,066, G>A on the plus strand (C>T on the coding strand, the complement: TTN is on the minus strand). VCF-style: chr2-178715066-G-A. GRCh37 (hg19) VCF-style: chr2-179579793-G-A.
Other names: p.A8390V:GCT>GTT; c.25169C>T, p.Ala8390Val (NM_001256850.1); c.22388C>T, p.Ala7463Val (NM_133378.4); c.13282+23016C>T (NM_003319.4); c.13858+23016C>T (NM_133437.4); c.13657+23016C>T (NM_133432.3); c.26120C>T (NM_001267550.1); short protein forms A8390V, A8707V, A7463V.
Identifiers: ClinVar variation 203341 (VCV000203341.2), dbSNP rs773760649, ClinGen allele CA312091.